The following is an entry in ClinVar:

ClinVar aggregate classification (germline): Pathogenic/Likely pathogenic. Review status: criteria provided, multiple submitters, no conflicts (2 of 4 stars). 3 submissions from 3 submitters: Pathogenic (1); Likely pathogenic (2). Last evaluated 2025-05-27.

Conditions:
BBS9-related disorder. Also called: BBS9-related condition.
Bardet-Biedl syndrome (BBS). Identifiers: Orphanet 110, MedGen C0752166, MONDO:0015229.

Allele frequency attached by ClinVar (database versions not stated): gnomAD exomes below 0.00001; TOPMed below 0.00001; gnomAD 0.00001; ExAC 0.00002; ESP Exome Variant Server 0.00008.
gnomAD v4.1: 3 of 1,612,910 alleles (0.00019%); highest among the groups gnomAD compares: Non-Finnish European, 0.00025%; no homozygotes.

Submissions (3):

PreventionGenetics, part of Exact Sciences
Classification: Likely pathogenic for BBS9-related condition. Last evaluated: 2025-05-27. Review status: criteria provided, single submitter. Criteria: ACMG Guidelines, 2015. Collection method: clinical testing. Allele origin: germline.
Comment: The BBS9 c.1022T>A variant is predicted to result in premature protein termination (p.Leu341*). To our knowledge, this variant has not been reported in the literature in individuals with Bardet-Biedl syndrome. This variant is reported in 0.0018% of alleles in individuals of European (Non-Finnish) descent in gnomAD. Nonsense variants in BBS9 are expected to be pathogenic. This variant is interpreted as likely pathogenic.

Blueprint Genetics
Classification: Likely pathogenic for BBS9-related disorders. Last evaluated: 2022-03-03. Review status: criteria provided, single submitter. Criteria: ACMG Guidelines, 2015. Collection method: clinical testing. Allele origin: germline. Affected: yes. Observed: 3 variant alleles.

Labcorp Genetics (formerly Invitae), Labcorp
Classification: Pathogenic for Bardet-Biedl syndrome. Last evaluated: 2021-12-24. Review status: criteria provided, single submitter. Criteria: Invitae Variant Classification Sherloc (09022015). Collection method: clinical testing. Allele origin: germline.
Comment: This sequence change creates a premature translational stop signal (p.Leu341*) in the BBS9 gene. It is expected to result in an absent or disrupted protein product. Loss-of-function variants in BBS9 are known to be pathogenic (PMID: 16380913, 20177705). This variant is present in population databases (rs372905559, gnomAD 0.002%). This variant has not been reported in the literature in individuals affected with BBS9-related conditions. For these reasons, this variant has been classified as Pathogenic.

Literature cited by the submitters: PubMed 16380913 (cited by Labcorp Genetics (formerly Invitae), Labcorp); PubMed 20177705 (cited by Labcorp Genetics (formerly Invitae), Labcorp).

NM_198428.3(BBS9):c.1022T>A (p.Leu341Ter)

Gene: BBS9 (Bardet-Biedl syndrome 9; plus strand). Cytogenetic location: 7p14.3.
Variant type: single nucleotide variant.
Coding change: c.1022T>A on transcript NM_198428.3 (MANE Select); coding-DNA position 1022, T replaced by A.
Protein change: p.Leu341Ter; replaces leucine 341 with a stop codon.
Molecular consequence: nonsense. On other transcripts: non-coding transcript variant (3).
Genome position (GRCh38, 1-based): chr7:33,336,446, T>A. VCF-style: chr7-33336446-T-A. GRCh37 (hg19) VCF-style: chr7-33376058-T-A.
Other names: c.1022T>A (NM_198428.2); c.1022T>A, p.Leu341Ter (NM_001033604.2, NM_001033605.2, NM_001348036.1 and 7 more transcripts); c.656T>A, p.Leu219Ter (NM_001348037.3, NM_001348044.3, NM_001348045.3 and 1 more transcripts); c.749T>A, p.Leu250Ter (NM_001348038.3, NM_001348039.3); c.887T>A, p.Leu296Ter (NM_001348042.3); short protein forms L219*, L296*, L341*, L250*.
Identifiers: ClinVar variation 1984986 (VCV001984986.8), dbSNP rs372905559, ClinGen allele CA4214181.